The following is an entry in ClinVar:

ClinVar aggregate classification (germline): Uncertain significance. Review status: criteria provided, multiple submitters, no conflicts (2 of 4 stars). 2 submissions from 2 submitters: Uncertain significance (2). Last evaluated 2025-10-10.

Conditions:
Nephrolithiasis/nephrocalcinosis. Identifiers: MedGen CN580796.

Submissions (2):

Women's Health and Genetics/Laboratory Corporation of America, LabCorp
Classification: Uncertain significance. Last evaluated: 2025-10-10. Review status: criteria provided, single submitter. Criteria: LabCorp Variant Classification Summary - May 2015. Collection method: clinical testing. Allele origin: germline.
Comment: Variant summary: CASR c.109C>T (p.Leu37Phe) results in a non-conservative amino acid change in the encoded protein sequence. Algorithms developed to predict the effect of missense changes on protein structure and function all suggest that this variant is likely to be disruptive. The variant was absent in 251256 control chromosomes (gnomAD). The available data on variant occurrences in the general population are insufficient to allow any conclusion about variant significance. To our knowledge, no occurrence of c.109C>T in individuals affected with CASR-related conditions and no experimental evidence demonstrating its impact on protein function have been reported. A different missense affecting the same amino acid (p.Leu37Pro) is reported in an affected individual (PMID: 26963950), suggesting a functional importance for the affected residue. ClinVar contains an entry for this variant (Variation ID: 3231487). Based on the evidence outlined above, the variant was classified as uncertain significance.

Ambry Genetics
Classification: Uncertain significance for Nephrolithiasis/nephrocalcinosis. Last evaluated: 2023-09-16. Review status: criteria provided, single submitter. Criteria: Ambry Variant Classification Scheme 2023. Collection method: clinical testing. Allele origin: germline.
Comment: The p.L37F variant (also known as c.109C>T), located in coding exon 1 of the CASR gene, results from a C to T substitution at nucleotide position 109. The leucine at codon 37 is replaced by phenylalanine, an amino acid with highly similar properties. This amino acid position is conserved. In addition, this alteration is predicted to be deleterious by in silico analysis. Since supporting evidence is limited at this time, the clinical significance of this alteration remains unclear.

NM_000388.4(CASR):c.109C>T (p.Leu37Phe)

Gene: CASR (calcium sensing receptor; plus strand). Cytogenetic location: 3q21.1.
Variant type: single nucleotide variant.
Coding change: c.109C>T on transcript NM_000388.4 (MANE Select); coding-DNA position 109, C replaced by T.
Protein change: p.Leu37Phe; replaces leucine 37 with phenylalanine.
Molecular consequence: missense variant.
Genome position (GRCh38, 1-based): chr3:122,254,298, C>T. VCF-style: chr3-122254298-C-T. GRCh37 (hg19) VCF-style: chr3-121973145-C-T.
Other names: c.109C>T, p.Leu37Phe (NM_001178065.2); short protein forms L37F.
Identifiers: ClinVar variation 3231487 (VCV003231487.2), dbSNP rs2473205478, ClinGen allele CA354362147.